The following is an entry in ClinVar:

ClinVar aggregate classification (germline): Conflicting classifications of pathogenicity. Review status: criteria provided, conflicting classifications (1 of 4 stars). 3 submissions from 3 submitters: Uncertain significance (2); Likely benign (1). Last evaluated 2025-11-10.

Conditions:
Neurodevelopmental disorder with hypotonia, neuropathy, and deafness (NEDHND). Also called: Myopathy, congenital, with neuropathy and deafness; SPTBN4 Disorder. Identifiers: MedGen C4479603, MONDO:0060496, OMIM 617519.
Inborn genetic diseases. Identifiers: MedGen C0950123, MeSH D030342.

Allele frequency attached by ClinVar (database versions not stated): gnomAD exomes 0.00003 and 0.00009; TOPMed 0.00009; gnomAD 0.00013 and 0.00014.
gnomAD v4.1: 39 of 1,553,346 alleles (0.0025%); highest among the groups gnomAD compares: Admixed American, 0.07%; no homozygotes.

Submissions (3):

Women's Health and Genetics/Laboratory Corporation of America, LabCorp
Classification: Uncertain significance. Last evaluated: 2025-11-10. Review status: criteria provided, single submitter. Criteria: LabCorp Variant Classification Summary - May 2015. Collection method: clinical testing. Allele origin: germline.
Comment: Variant summary: SPTBN4 c.6113A>G (p.Asp2038Gly) results in a non-conservative amino acid change in the encoded protein sequence. Algorithms developed to predict the effect of missense changes on protein structure and function are either unavailable or do not agree on the potential impact of this missense change. The variant allele was found at a frequency of 9.4e-05 in 159058 control chromosomes. This frequency is not significantly higher than estimated for disease-causing variants in SPTBN4, allowing no conclusion about variant significance. To our knowledge, no occurrence of c.6113A>G in individuals affected with SPTBN4-related conditions and no experimental evidence demonstrating its impact on protein function have been reported. ClinVar contains an entry for this variant (Variation ID: 1325615). Based on the evidence outlined above, the variant was classified as uncertain significance.

Ambry Genetics
Classification: Likely benign for Inborn genetic diseases. Last evaluated: 2025-05-25. Review status: criteria provided, single submitter. Criteria: Ambry Variant Classification Scheme 2023. Collection method: clinical testing. Allele origin: germline.

New York Genome Center
Classification: Uncertain significance for Neurodevelopmental disorder with hypotonia, neuropathy, and deafness. Last evaluated: 2020-05-08. Review status: criteria provided, single submitter. Criteria: NYGC Assertion Criteria 2020. Collection method: clinical testing. Allele origin: germline. Observed: 1 heterozygote. Study: CSER-NYCKidSeq.

NM_020971.3(SPTBN4):c.6113A>G (p.Asp2038Gly)

Gene: SPTBN4 (spectrin beta, non-erythrocytic 4; plus strand). Cytogenetic location: 19q13.2.
Variant type: single nucleotide variant.
Coding change: c.6113A>G on transcript NM_020971.3 (MANE Select); coding-DNA position 6113, A replaced by G.
Protein change: p.Asp2038Gly; replaces aspartic acid 2038 with glycine.
Molecular consequence: missense variant.
Genome position (GRCh38, 1-based): chr19:40,565,719, A>G. VCF-style: chr19-40565719-A-G. GRCh37 (hg19) VCF-style: chr19-41071625-A-G.
Other names: short protein forms D2038G.
Identifiers: ClinVar variation 1325615 (VCV001325615.3), dbSNP rs1279770682, ClinGen allele CA405913501.
Genomic context (GRCh38, chr19:40,565,719, plus strand): 5'-AGATCCAGGCACAGCTGGACAAGCTGGGAACCAGGAAGGAGGAGGTGTCGGAAAAGTGGG[A>G]CCGCCATTGGGAGTGGCTGCAGCAGAGTGAGTGGGGGCCCAGGCACACGTGGTTCAAGGG-3'
Protein context (NP_066022.2, residues 2028-2048): TRKEEVSEKW[Asp2038Gly]RHWEWLQQML